The following is an entry in ClinVar:

ClinVar aggregate classification (germline): Uncertain significance (1 of 4 stars; one submission).

Allele frequency attached by ClinVar (database versions not stated): gnomAD exomes below 0.00001; ExAC 0.00001; gnomAD 0.00001; TOPMed 0.00002; ESP Exome Variant Server 0.00008.
gnomAD v4.1: 3 of 1,613,828 alleles (0.00019%); highest among the groups gnomAD compares: African/African-American, 0.0027%; no homozygotes.

Submission:

Labcorp Genetics (formerly Invitae), Labcorp
Classification: Uncertain significance. Last evaluated: 2024-08-05. Review status: criteria provided, single submitter. Criteria: Invitae Variant Classification Sherloc (09022015). Collection method: clinical testing. Allele origin: germline.
Comment: This sequence change replaces threonine, which is neutral and polar, with isoleucine, which is neutral and non-polar, at codon 3735 of the USH2A protein (p.Thr3735Ile). This variant is present in population databases (rs141107332, gnomAD 0.01%). This variant has not been reported in the literature in individuals affected with USH2A-related conditions. ClinVar contains an entry for this variant (Variation ID: 2182426). Advanced modeling of protein sequence and biophysical properties (such as structural, functional, and spatial information, amino acid conservation, physicochemical variation, residue mobility, and thermodynamic stability) has been performed at Invitae for this missense variant, however the output from this modeling did not meet the statistical confidence thresholds required to predict the impact of this variant on USH2A protein function. In summary, the available evidence is currently insufficient to determine the role of this variant in disease. Therefore, it has been classified as a Variant of Uncertain Significance.

NM_206933.4(USH2A):c.11204C>T (p.Thr3735Ile)

Gene: USH2A (usherin; minus strand). Cytogenetic location: 1q41.
Variant type: single nucleotide variant.
Coding change: c.11204C>T on transcript NM_206933.4 (MANE Select); coding-DNA position 11204, C replaced by T.
Protein change: p.Thr3735Ile; replaces threonine 3735 with isoleucine.
Molecular consequence: missense variant.
Genome position (GRCh38, 1-based): chr1:215,759,687, G>A on the plus strand (C>T on the coding strand, the complement: USH2A is on the minus strand). VCF-style: chr1-215759687-G-A. GRCh37 (hg19) VCF-style: chr1-215933029-G-A.
Other names: short protein forms T3735I.
Identifiers: ClinVar variation 2182426 (VCV002182426.2), dbSNP rs141107332, ClinGen allele CA1393796.